The following is an entry in ClinVar:

NM_004278.4(PIGL):c.687G>T (p.Gln229His)

Gene: PIGL (phosphatidylinositol glycan anchor biosynthesis class L; plus strand). Cytogenetic location: 17p11.2.
Variant type: single nucleotide variant.
Coding change: c.687G>T on transcript NM_004278.4 (MANE Select); coding-DNA position 687, G replaced by T.
Protein change: p.Gln229His; replaces glutamine 229 with histidine.
Molecular consequence: missense variant.
Genome position (GRCh38, 1-based): chr17:16,325,826, G>T. VCF-style: chr17-16325826-G-T. GRCh37 (hg19) VCF-style: chr17-16229140-G-T.
Other names: c.655G>T, p.Ala219Ser (NM_001411072.1); short protein forms A219S, Q229H.
Identifiers: ClinVar variation 5005695 (VCV005005695.2).

ClinVar aggregate classification (germline): Uncertain significance (1 of 4 stars; one submission).

Conditions:
CHIME syndrome (CHIME). Also called: COLOBOMA, CONGENITAL HEART DISEASE, ICHTHYOSIFORM DERMATOSIS, IMPAIRED INTELLECTUAL DEVELOPMENT, AND EAR ANOMALIES SYNDROME; GLYCOSYLPHOSPHATIDYLINOSITOL BIOSYNTHESIS DEFECT 5. Identifiers: Orphanet 3474, MedGen C1848392, MONDO:0010221, OMIM 280000.

Submission:

Juno Genomics, Hangzhou Juno Genomics, Inc
Classification: Uncertain significance for CHIME syndrome. Review status: criteria provided, single submitter. Criteria: ACMG Guidelines, 2015. Collection method: clinical testing. Allele origin: germline.
Comment: Absent from controls (or at extremely low frequency if recessive) in Genome Aggregation Database.;Multiple lines of computational evidence support a deleterious effect on the gene or gene product.